The following is an entry in ClinVar:

ClinVar aggregate classification (germline): Uncertain significance (1 of 4 stars; one submission).

Allele frequency attached by ClinVar (database versions not stated): gnomAD exomes below 0.00001.
gnomAD v4.1: 2 of 1,611,156 alleles (0.00012%); highest among the groups gnomAD compares: East Asian, 0.0022%; no homozygotes.

Submission:

Labcorp Genetics (formerly Invitae), Labcorp
Classification: Uncertain significance. Last evaluated: 2022-03-14. Review status: criteria provided, single submitter. Criteria: Invitae Variant Classification Sherloc (09022015). Collection method: clinical testing. Allele origin: germline.
Comment: In summary, the available evidence is currently insufficient to determine the role of this variant in disease. Therefore, it has been classified as a Variant of Uncertain Significance. Algorithms developed to predict the effect of sequence changes on RNA splicing suggest that this variant may create or strengthen a splice site. This variant has not been reported in the literature in individuals affected with RTTN-related conditions. This variant is not present in population databases (gnomAD no frequency). This sequence change disrupts the translational stop signal of the RTTN mRNA. It is expected to extend the length of the RTTN protein by 8 additional amino acid residues.

NM_173630.4(RTTN):c.6679T>A (p.Ter2227Arg)

Gene: RTTN (rotatin; minus strand). Cytogenetic location: 18q22.2.
Variant type: single nucleotide variant.
Coding change: c.6679T>A on transcript NM_173630.4 (MANE Select); coding-DNA position 6679, T replaced by A.
Protein change: p.Ter2227Arg.
Molecular consequence: stop lost.
Genome position (GRCh38, 1-based): chr18:70,004,153, A>T on the plus strand (T>A on the coding strand, the complement: RTTN is on the minus strand). VCF-style: chr18-70004153-A-T. GRCh37 (hg19) VCF-style: chr18-67671389-A-T.
Other names: c.3943T>A, p.Ter1315Arg (NM_001318520.2).
Identifiers: ClinVar variation 2111918 (VCV002111918.4), dbSNP rs1568225983, ClinGen allele CA402696385.